The following is an entry in ClinVar:

ClinVar aggregate classification (germline): Uncertain significance (1 of 4 stars; one submission).

gnomAD v4.1: 20 of 1,613,918 alleles (0.0012%); highest among the groups gnomAD compares: South Asian, 0.015%; no homozygotes.

Submission:

Labcorp Genetics (formerly Invitae), Labcorp
Classification: Uncertain significance. Last evaluated: 2025-03-09. Review status: criteria provided, single submitter. Criteria: Invitae Variant Classification Sherloc (09022015). Collection method: clinical testing. Allele origin: germline.
Comment: This sequence change replaces aspartic acid, which is acidic and polar, with asparagine, which is neutral and polar, at codon 48 of the C3 protein (p.Asp48Asn). This variant is present in population databases (rs141447426, gnomAD 0.02%). This variant has not been reported in the literature in individuals affected with C3-related conditions. Invitae Evidence Modeling of protein sequence and biophysical properties (such as structural, functional, and spatial information, amino acid conservation, physicochemical variation, residue mobility, and thermodynamic stability) indicates that this missense variant is not expected to disrupt C3 protein function with a negative predictive value of 80%. In summary, the available evidence is currently insufficient to determine the role of this variant in disease. Therefore, it has been classified as a Variant of Uncertain Significance.

NM_000064.4(C3):c.142G>A (p.Asp48Asn)

Gene: C3 (complement C3; minus strand). Cytogenetic location: 19p13.3.
Variant type: single nucleotide variant.
Coding change: c.142G>A on transcript NM_000064.4 (MANE Select); coding-DNA position 142, G replaced by A.
Protein change: p.Asp48Asn; replaces aspartic acid 48 with asparagine.
Molecular consequence: missense variant.
Genome position (GRCh38, 1-based): chr19:6,719,336, C>T on the plus strand (G>A on the coding strand, the complement: C3 is on the minus strand). VCF-style: chr19-6719336-C-T. GRCh37 (hg19) VCF-style: chr19-6719347-C-T.
Other names: short protein forms D48N.
Identifiers: ClinVar variation 3614033 (VCV003614033.2).